The following is an entry in ClinVar:

NM_000127.3(EXT1):c.1577A>G (p.Lys526Arg)

Gene: EXT1 (exostosin glycosyltransferase 1; minus strand). Cytogenetic location: 8q24.11.
Variant type: single nucleotide variant.
Coding change: c.1577A>G on transcript NM_000127.3 (MANE Select); coding-DNA position 1577, A replaced by G.
Protein change: p.Lys526Arg; replaces lysine 526 with arginine.
Molecular consequence: missense variant.
Genome position (GRCh38, 1-based): chr8:117,818,490, T>C on the plus strand (A>G on the coding strand, the complement: EXT1 is on the minus strand). VCF-style: chr8-117818490-T-C. GRCh37 (hg19) VCF-style: chr8-118830729-T-C.
Other names: short protein forms K526R.
Identifiers: ClinVar variation 3710043 (VCV003710043.2).

ClinVar aggregate classification (germline): Uncertain significance (1 of 4 stars; one submission).

Conditions:
Multiple congenital exostosis (EXT). Also called: Hereditary multiple osteochondromas; Hereditary multiple exostoses; Hereditary multiple exostosis; Multiple exostoses; MULTIPLE CARTILAGINOUS EXOSTOSES; Multiple osteochondromas. Identifiers: Orphanet 321, MedGen C0015306, MONDO:0005508, HP:0002762.

gnomAD v4.1: 2 of 1,614,060 alleles (0.00012%); highest among the groups gnomAD compares: Non-Finnish European, 0.00017%; no homozygotes.

Submission:

Labcorp Genetics (formerly Invitae), Labcorp
Classification: Uncertain significance for Multiple congenital exostosis. Last evaluated: 2024-04-09. Review status: criteria provided, single submitter. Criteria: Invitae Variant Classification Sherloc (09022015). Collection method: clinical testing. Allele origin: germline.
Comment: This sequence change replaces lysine, which is basic and polar, with arginine, which is basic and polar, at codon 526 of the EXT1 protein (p.Lys526Arg). This variant is present in population databases (no rsID available, gnomAD 0.007%). This variant has not been reported in the literature in individuals affected with EXT1-related conditions. Advanced modeling of protein sequence and biophysical properties (such as structural, functional, and spatial information, amino acid conservation, physicochemical variation, residue mobility, and thermodynamic stability) has been performed at Invitae for this missense variant, however the output from this modeling did not meet the statistical confidence thresholds required to predict the impact of this variant on EXT1 protein function. In summary, the available evidence is currently insufficient to determine the role of this variant in disease. Therefore, it has been classified as a Variant of Uncertain Significance.